The following is an entry in ClinVar:

NM_002470.4(MYH3):c.3368T>C (p.Ile1123Thr)

Gene: MYH3 (myosin heavy chain 3; minus strand). Cytogenetic location: 17p13.1.
Variant type: single nucleotide variant.
Coding change: c.3368T>C on transcript NM_002470.4 (MANE Select); coding-DNA position 3368, T replaced by C.
Protein change: p.Ile1123Thr; replaces isoleucine 1123 with threonine.
Molecular consequence: missense variant.
Genome position (GRCh38, 1-based): chr17:10,638,404, A>G on the plus strand (T>C on the coding strand, the complement: MYH3 is on the minus strand). VCF-style: chr17-10638404-A-G. GRCh37 (hg19) VCF-style: chr17-10541721-A-G.
Other names: short protein forms I1123T.
Identifiers: ClinVar variation 3876391 (VCV003876391.2).

ClinVar aggregate classification (germline): Uncertain significance. Review status: criteria provided, multiple submitters, no conflicts (2 of 4 stars). 2 submissions from 2 submitters: Uncertain significance (2). Last evaluated 2025-09-21.

Conditions:
Inborn genetic diseases. Identifiers: MedGen C0950123, MeSH D030342.

gnomAD v4.1: 4 of 1,600,312 alleles (0.00025%); highest among the groups gnomAD compares: Non-Finnish European, 0.00034%; no homozygotes.

Submissions (2):

Labcorp Genetics (formerly Invitae), Labcorp
Classification: Uncertain significance. Last evaluated: 2025-09-21. Review status: criteria provided, single submitter. Criteria: Invitae Variant Classification Sherloc (09022015). Collection method: clinical testing. Allele origin: germline.
Comment: This sequence change replaces isoleucine, which is neutral and non-polar, with threonine, which is neutral and polar, at codon 1123 of the MYH3 protein (p.Ile1123Thr). This variant is not present in population databases (gnomAD no frequency). This variant has not been reported in the literature in individuals affected with MYH3-related conditions. ClinVar contains an entry for this variant (Variation ID: 3876391). Invitae Evidence Modeling of protein sequence and biophysical properties (such as structural, functional, and spatial information, amino acid conservation, physicochemical variation, residue mobility, and thermodynamic stability) indicates that this missense variant is not expected to disrupt MYH3 protein function with a negative predictive value of 95%. In summary, the available evidence is currently insufficient to determine the role of this variant in disease. Therefore, it has been classified as a Variant of Uncertain Significance.

Ambry Genetics
Classification: Uncertain significance for Inborn genetic diseases. Last evaluated: 2024-12-22. Review status: criteria provided, single submitter. Criteria: Ambry Variant Classification Scheme 2023. Collection method: clinical testing. Allele origin: germline.